The following is an entry in ClinVar:

NM_001267550.2(TTN):c.65758_65759del (p.Thr21920fs)

Genes: TTN (titin; minus strand), TTN-AS1 (TTN antisense RNA 1; plus strand). Cytogenetic location: 2q31.2.
Variant type: Deletion.
Coding change: c.65758_65759del on transcript NM_001267550.2 (MANE Select); coding-DNA positions 65758 to 65759, 2 bases deleted (AC; older notation c.65758_65759delAC).
Protein change: p.Thr21920fs; shifts the reading frame from threonine 21920.
Molecular consequence: frameshift variant. On other transcripts: non-coding transcript variant (1).
Genome position (GRCh38, 1-based): chr2:178,583,044-178,583,045, GT deleted on the plus strand (AC on the coding strand, the reverse complement: TTN is on the minus strand); deleting any 2 consecutive bases within chr2:178,583,044-178,583,046 gives the same sequence; the c. name uses the placement nearest the transcript's 3' end. VCF-style (leftmost placement, unchanged base first): chr2-178583043-GGT-G. GRCh37 (hg19) VCF-style: chr2-179447770-GGT-G.
Other names: c.65758_65759delAC (NM_001267550.2); c.60835_60836del, p.Thr20279fs (NM_001256850.1); c.38563_38564del, p.Thr12855fs (NM_003319.4); c.58054_58055del, p.Thr19352fs (NM_133378.4); c.38938_38939del, p.Thr12980fs (NM_133432.3); c.39139_39140del, p.Thr13047fs (NM_133437.4); short protein forms T21920fs, T12855fs, T12980fs, T13047fs, T20279fs, T19352fs.
Identifiers: ClinVar variation 535045 (VCV000535045.9), dbSNP rs1553629105, ClinGen allele CA658796012.

ClinVar aggregate classification (germline): Likely pathogenic (1 of 4 stars; one submission).

Conditions:
Autosomal recessive limb-girdle muscular dystrophy type 2J (LGMDR10). Also called: Limb-girdle muscular dystrophy, type 2J; MUSCULAR DYSTROPHY, LIMB-GIRDLE, AUTOSOMAL RECESSIVE 10. Identifiers: Orphanet 140922, MedGen C1837342, MONDO:0012127, OMIM 608807.
Dilated cardiomyopathy 1G (CMD1G). Identifiers: Orphanet 154, MedGen C1858763, MONDO:0011400, OMIM 604145.

Submission:

Labcorp Genetics (formerly Invitae), Labcorp
Classification: Likely pathogenic for Dilated cardiomyopathy 1G; Autosomal recessive limb-girdle muscular dystrophy type 2J. Last evaluated: 2017-10-06. Review status: criteria provided, single submitter. Criteria: Invitae Variant Classification Sherloc (09022015). Collection method: clinical testing. Allele origin: germline.
Comment: This variant is not present in population databases (ExAC no frequency). This sequence change creates a premature translational stop signal (p.Thr21920Leufs*19) in the TTN gene. It is expected to result in an absent or disrupted protein product. This variant is found in the A-band of this gene. While this particular variant has not been reported in the literature, truncating variants in the A-band of TTN are significantly overrepresented in patients with dilated cardiomyopathy and are considered to be likely pathogenic for the disease (PMID: 25589632). Truncating variants in TTN have also been reported in individuals affected with autosomal recessive centronuclear myopathy (PMID: 23975875). In summary, the currently available evidence indicates that the variant is pathogenic, but additional data are needed to prove that conclusively. Therefore, this variant has been classified as Likely Pathogenic.

Literature cited by the submitters: PubMed 25589632; PubMed 23975875.